The following is an entry in ClinVar:

NM_000135.4(FANCA):c.2989A>T (p.Ser997Cys)

Gene: FANCA (FA complementation group A; minus strand). Cytogenetic location: 16q24.3.
Variant type: single nucleotide variant.
Coding change: c.2989A>T on transcript NM_000135.4 (MANE Select); coding-DNA position 2989, A replaced by T.
Protein change: p.Ser997Cys; replaces serine 997 with cysteine.
Molecular consequence: missense variant.
Genome position (GRCh38, 1-based): chr16:89,752,215, T>A on the plus strand (A>T on the coding strand, the complement: FANCA is on the minus strand). VCF-style: chr16-89752215-T-A. GRCh37 (hg19) VCF-style: chr16-89818623-T-A.
Other names: c.2989A>T, p.Ser997Cys (NM_001286167.3); short protein forms S997C.
Identifiers: ClinVar variation 974158 (VCV000974158.2), dbSNP rs2038619848, ClinGen allele CA397427489.

ClinVar aggregate classification (germline): Uncertain significance. Review status: criteria provided, single submitter (1 of 4 stars). 2 submissions from 2 submitters: Uncertain significance (1). 1 of the submissions does not count toward it. Last evaluated 2025-06-13.

Conditions:
Inborn genetic diseases. Identifiers: MedGen C0950123, MeSH D030342.
Fanconi anemia complementation group A (FANCA). Also called: Fanconi anemia, group A; FANCA-Related Fanconi Anemia. Identifiers: Orphanet 84, MedGen C3469521, MONDO:0009215, OMIM 227650.

Submissions (2):

Ambry Genetics
Classification: Uncertain significance for Inborn genetic diseases. Last evaluated: 2025-06-13. Review status: criteria provided, single submitter. Criteria: Ambry Variant Classification Scheme 2023. Collection method: clinical testing. Allele origin: germline.
Comment: The p.S997C variant (also known as c.2989A>T), located in coding exon 31 of the FANCA gene, results from an A to T substitution at nucleotide position 2989. The serine at codon 997 is replaced by cysteine, an amino acid with dissimilar properties. This amino acid position is conserved. In addition, the in silico prediction for this alteration is inconclusive. Based on the available evidence, the clinical significance of this variant remains unclear.

Leiden Open Variation Database
Classification: Uncertain significance for Fanconi anemia complementation group A. Last evaluated: 2020-02-28. Review status: no assertion criteria provided. Collection method: curation. Allele origin: germline. Affected: yes. Not counted in ClinVar's aggregate classification.
Comment: Curator: Arleen D. Auerbach. Submitter to LOVD: Arleen D. Auerbach.